The following is an entry in ClinVar:

NM_000226.4(KRT9):c.948C>T (p.Gly316=)

Gene: KRT9 (keratin 9; minus strand). Cytogenetic location: 17q21.2.
Variant type: single nucleotide variant.
Coding change: c.948C>T on transcript NM_000226.4 (MANE Select); coding-DNA position 948, C replaced by T.
Protein change: p.Gly316=; no amino-acid change (glycine 316 retained).
Molecular consequence: synonymous variant.
Genome position (GRCh38, 1-based): chr17:41,569,522, G>A on the plus strand (C>T on the coding strand, the complement: KRT9 is on the minus strand). VCF-style: chr17-41569522-G-A. GRCh37 (hg19) VCF-style: chr17-39725774-G-A.
Identifiers: ClinVar variation 323132 (VCV000323132.38), dbSNP rs111424754, ClinGen allele CA8562087.
Genomic context (GRCh38, chr17:41,569,522, plus strand): 5'-CTTAGCAATGAGCTGCTCATACTCCTGACGCATGTCATTGAGGGTCTTGGTGAGATCTTT[G>A]CCAGGAGCAACGTTTATCTCCACATTGACATCTCCACTGTTCTGCCCAGTCAGCTGACTC-3'
Protein context (NP_000217.2, residues 306-326): DVNVEINVAP[Gly316=]KDLTKTLNDM

ClinVar aggregate classification (germline): Benign/Likely benign. Review status: criteria provided, multiple submitters, no conflicts (2 of 4 stars). 4 submissions from 4 submitters: Benign (1); Likely benign (3). Last evaluated 2025-04-18.

Conditions:
Palmoplantar keratoderma, epidermolytic. Also called: Localized epidermolytic hyperkeratosis. Identifiers: MedGen C1721006, MONDO:0968949, HP:0007559.

Allele frequency attached by ClinVar (database versions not stated): gnomAD exomes 0.00017 and 0.00037; ExAC 0.00039; ESP Exome Variant Server 0.00092; gnomAD 0.00115 and 0.00116; TOPMed 0.00142; 1000 Genomes Project 30x 0.00328; 1000 Genomes Project 0.00339.
gnomAD v4.1: 464 of 1,614,144 alleles (0.029%); highest among the groups gnomAD compares: African/African-American, 0.43%; 1 homozygote.

Submissions (4):

Labcorp Genetics (formerly Invitae), Labcorp
Classification: Benign. Last evaluated: 2025-04-18. Review status: criteria provided, single submitter. Criteria: Invitae Variant Classification Sherloc (09022015). Collection method: clinical testing. Allele origin: germline.

Blueprint Genetics
Classification: Likely benign. Last evaluated: 2024-11-11. Review status: criteria provided, single submitter. Criteria: ACMG Guidelines, 2015. Collection method: clinical testing. Allele origin: germline.

CeGaT Center for Human Genetics Tuebingen
Classification: Likely benign. Last evaluated: 2023-02-01. Review status: criteria provided, single submitter. Criteria: CeGaT Center For Human Genetics Tuebingen Variant Classification Criteria Version 2. Collection method: clinical testing. Allele origin: germline. Affected: yes. Observed: 1 variant allele.
Comment: KRT9: BP4, BP7, BS1

Illumina Laboratory Services, Illumina
Classification: Likely benign for Epidermolytic palmoplantar keratoderma, 1. Last evaluated: 2018-01-12. Review status: criteria provided, single submitter. Criteria: ICSL Variant Classification Criteria 13 December 2019. Collection method: clinical testing. Allele origin: germline.
Comment: This variant was observed in the ICSL laboratory as part of a predisposition screen in an ostensibly healthy population. It had not been previously curated by ICSL or reported in the Human Gene Mutation Database (HGMD: prior to June 1st, 2018), and was therefore a candidate for classification through an automated scoring system. Utilizing variant allele frequency, disease prevalence and penetrance estimates, and inheritance mode, an automated score was calculated to assess if this variant is too frequent to cause the disease. Based on the score and internal cut-off values, a variant classified as likely benign is not then subjected to further curation. The score for this variant resulted in a classification of likely benign for this disease.